The following is an entry in ClinVar:

NM_000090.4(COL3A1):c.3344C>G (p.Pro1115Arg)

Gene: COL3A1 (collagen type III alpha 1 chain; plus strand). Cytogenetic location: 2q32.2.
Variant type: single nucleotide variant.
Coding change: c.3344C>G on transcript NM_000090.4 (MANE Select); coding-DNA position 3344, C replaced by G.
Protein change: p.Pro1115Arg; replaces proline 1115 with arginine.
Molecular consequence: missense variant.
Genome position (GRCh38, 1-based): chr2:189,007,588, C>G. VCF-style: chr2-189007588-C-G. GRCh37 (hg19) VCF-style: chr2-189872314-C-G.
Other names: short protein forms P1115R.
Identifiers: ClinVar variation 926901 (VCV000926901.6), dbSNP rs1688622334, ClinGen allele CA349845896.

ClinVar aggregate classification (germline): Uncertain significance. Review status: criteria provided, multiple submitters, no conflicts (2 of 4 stars). 2 submissions from 2 submitters: Uncertain significance (2). Last evaluated 2024-03-07.

Conditions:
Familial thoracic aortic aneurysm and aortic dissection (TAAD). Also called: Thoracic aortic aneurysms and dissections. Identifiers: Orphanet 91387, MedGen C4707243, MONDO:0019625.
Ehlers-Danlos syndrome, type 4 (EDSVASC). Also called: Ehlers-Danlos syndrome vascular type; Ehlers Danlos syndrome, ecchymotic type; Ehlers Danlos syndrome, arterial type; Ehlers Danlos syndrome, Sack-Barabas type; Ehlers-Danlos Syndrome Type IV. Identifiers: Orphanet 286, MedGen C0268338, MONDO:0017314, OMIM 130050.

Allele frequency attached by ClinVar (database versions not stated): gnomAD exomes below 0.00001; TOPMed below 0.00001; gnomAD 0.00001.
gnomAD v4.1: 5 of 1,612,302 alleles (0.00031%); highest among the groups gnomAD compares: Non-Finnish European, 0.00042%; no homozygotes.

Submissions (2):

Color Diagnostics, LLC DBA Color Health
Classification: Uncertain significance for Familial thoracic aortic aneurysm and aortic dissection. Last evaluated: 2024-03-07. Review status: criteria provided, single submitter. Criteria: ACMG Guidelines, 2015. Collection method: clinical testing. Allele origin: germline.
Comment: This missense variant replaces proline with arginine at codon 1115 of the COL3A1 protein. Computational prediction is inconclusive regarding the impact of this variant on protein structure and function (internally defined REVEL score threshold 0.5 < inconclusive < 0.7, PMID: 27666373). To our knowledge, functional studies have not been reported for this variant. This variant has not been reported in individuals affected with COL3A1-related disorders in the literature. This variant has not been identified in the general population by the Genome Aggregation Database (gnomAD). The available evidence is insufficient to determine the role of this variant in disease conclusively. Therefore, this variant is classified as a Variant of Uncertain Significance.

All of Us Research Program, National Institutes of Health
Classification: Uncertain significance for Ehlers-Danlos syndrome, type 4. Last evaluated: 2023-04-03. Review status: criteria provided, single submitter. Criteria: ACMG Guidelines, 2015. Collection method: clinical testing. Allele origin: germline. Inheritance: Autosomal dominant inheritance. Observed: 2 variant alleles, 2 heterozygotes.
Comment: This missense variant replaces proline with arginine at codon 1115 of the COL3A1 protein. Computational prediction tools and conservation analyses suggest that this variant may have deleterious impact on the protein function. Computational splicing tools suggest that this variant may not impact RNA splicing. To our knowledge, functional assays have not been performed for this variant nor has this variant been reported in individuals affected with cardiovascular disorders in the literature. This variant has not been identified in the general population by the Genome Aggregation Database (gnomAD). Available evidence is insufficient to determine the role of this variant in disease conclusively. Therefore, this variant is classified as a Variant of Uncertain Significance.

This study involves interpretation of variants in research participants for the purpose of population health screening. Participant phenotype was not available at the time of variant classification. Additional details can be found in publication PMID: 35346344, PMCID: PMC8962531